The following is an entry in ClinVar:

NM_033656.4(BRWD1):c.6519T>C (p.Asn2173=)

Gene: BRWD1 (bromodomain and WD repeat domain containing 1; minus strand). Cytogenetic location: 21q22.2.
Variant type: single nucleotide variant.
Coding change: c.6519T>C on transcript NM_033656.4 (MANE Select); coding-DNA position 6519, T replaced by C.
Protein change: p.Asn2173=; no amino-acid change (asparagine 2173 retained).
Molecular consequence: synonymous variant.
Genome position (GRCh38, 1-based): chr21:39,196,550, A>G on the plus strand (T>C on the coding strand, the complement: BRWD1 is on the minus strand). VCF-style: chr21-39196550-A-G. GRCh37 (hg19) VCF-style: chr21-40568476-A-G.
Other names: c.6519T>C, p.Asn2173= (NM_018963.5).
Identifiers: ClinVar variation 3033349 (VCV003033349.5), dbSNP rs141324249, ClinGen allele CA10026306.

ClinVar aggregate classification (germline): Likely benign. Review status: criteria provided, multiple submitters, no conflicts (2 of 4 stars). 3 submissions from 3 submitters: Likely benign (2). 1 of the submissions does not count toward it. Last evaluated 2026-04-01.

Conditions:
BRWD1-related disorder. Also called: BRWD1-related condition.

Allele frequency attached by ClinVar (database versions not stated): 1000 Genomes Project 0.00140; 1000 Genomes Project 30x 0.00187; TOPMed 0.00255; ESP Exome Variant Server 0.00277; ExAC 0.00282; gnomAD 0.00307; gnomAD exomes 0.00447.
gnomAD v4.1: 6,939 of 1,613,584 alleles (0.43%); highest among the groups gnomAD compares: Non-Finnish European, 0.52%; 20 homozygotes.

Submissions (3):

CeGaT Center for Human Genetics Tuebingen
Classification: Likely benign. Last evaluated: 2026-04-01. Review status: criteria provided, single submitter. Criteria: CeGaT Center For Human Genetics Tuebingen Variant Classification Criteria Version 2. Collection method: clinical testing. Allele origin: germline. Affected: yes. Observed: 1 variant allele.
Comment: BRWD1: BP4, BP7, BS2

Blueprint Genetics
Classification: Likely benign. Last evaluated: 2024-11-28. Review status: criteria provided, single submitter. Criteria: ACMG Guidelines, 2015. Collection method: clinical testing. Allele origin: germline.

PreventionGenetics, part of Exact Sciences
Classification: Likely benign for BRWD1-related condition. Last evaluated: 2019-03-28. Review status: no assertion criteria provided. Collection method: clinical testing. Allele origin: germline. Not counted in ClinVar's aggregate classification.
Comment: This variant is classified as likely benign based on ACMG/AMP sequence variant interpretation guidelines (Richards et al. 2015 PMID: 25741868, with internal and published modifications).